The following is an entry in ClinVar:

NM_006133.3(DAGLA):c.2444G>A (p.Arg815His)

Gene: DAGLA (diacylglycerol lipase alpha; plus strand). Cytogenetic location: 11q12.2.
Variant type: single nucleotide variant.
Coding change: c.2444G>A on transcript NM_006133.3 (MANE Select); coding-DNA position 2444, G replaced by A.
Protein change: p.Arg815His; replaces arginine 815 with histidine.
Molecular consequence: missense variant.
Genome position (GRCh38, 1-based): chr11:61,743,804, G>A. VCF-style: chr11-61743804-G-A. GRCh37 (hg19) VCF-style: chr11-61511276-G-A.
Other names: short protein forms R815H.
Identifiers: ClinVar variation 4084021 (VCV004084021.8).

ClinVar aggregate classification (germline): Likely benign (1 of 4 stars; one submission).

gnomAD v4.1: 474 of 1,612,456 alleles (0.029%); highest among the groups gnomAD compares: Non-Finnish European, 0.037%; no homozygotes.

Submission:

CeGaT Center for Human Genetics Tuebingen
Classification: Likely benign. Last evaluated: 2025-07-01. Review status: criteria provided, single submitter. Criteria: CeGaT Center For Human Genetics Tuebingen Variant Classification Criteria Version 2. Collection method: clinical testing. Allele origin: germline. Affected: yes. Observed: 1 variant allele.
Comment: DAGLA: BS1